The following is an entry in ClinVar:

ClinVar aggregate classification (germline): Pathogenic (1 of 4 stars; one submission).

Conditions:
Hereditary cancer-predisposing syndrome. Also called: Neoplastic Syndromes, Hereditary; Tumor predisposition; Hereditary Cancer Syndrome; Hereditary neoplastic syndrome. Identifiers: Orphanet 140162, MedGen C0027672, MeSH D009386, MONDO:0015356.

Submission:

Ambry Genetics
Classification: Pathogenic for Hereditary cancer-predisposing syndrome. Last evaluated: 2018-10-26. Review status: criteria provided, single submitter. Criteria: Ambry Variant Classification Scheme 2023. Collection method: clinical testing. Allele origin: germline.
Comment: The c.900_913del14 pathogenic mutation, located in coding exon 4 of the MSH6 gene, results from a deletion of 14 nucleotides at nucleotide positions 900 to 913, causing a translational frameshift with a predicted alternate stop codon (p.K301Wfs*6). This alteration is expected to result in loss of function by premature protein truncation or nonsense-mediated mRNA decay. As such, this alteration is interpreted as a disease-causing mutation.

NM_000179.3(MSH6):c.900_913del (p.Lys301fs)

Gene: MSH6 (mutS homolog 6; plus strand). Cytogenetic location: 2p16.3.
Variant type: Deletion.
Coding change: c.900_913del on transcript NM_000179.3 (MANE Select); coding-DNA positions 900 to 913, 14 bases deleted (GAAGAGAATGGTGA).
Protein change: p.Lys301fs; shifts the reading frame from lysine 301.
Molecular consequence: frameshift variant. On other transcripts: initiator codon variant (2).
Genome position (GRCh38, 1-based): chr2:47,798,883-47,798,896, GAAGAGAATGGTGA deleted. VCF-style (leftmost placement, unchanged base first): chr2-47798882-GGAAGAGAATGGTGA-G. GRCh37 (hg19) VCF-style: chr2-48026021-GGAAGAGAATGGTGA-G.
Other names: c.900_913del14 (NM_000179.2); c.510_523del, p.Lys171fs (NM_001281492.2); c.-7_7del, p.Met1fs (NM_001281493.2, NM_001281494.2); c.996_1009delGAAGAGAATGGTGA, p.Lys333Trpfs (NM_001406795.1, NM_001406802.1); c.900_913delGAAGAGAATGGTGA, p.Lys301Trpfs (NM_001406796.1, NM_001406798.1, NM_001406800.1 and 4 more transcripts); c.603_616delGAAGAGAATGGTGA, p.Lys202Trpfs (NM_001406797.1, NM_001406801.1, NM_001406805.1 and 10 more transcripts); c.375_388delGAAGAGAATGGTGA, p.Lys126Trpfs (NM_001406799.1, NM_001406806.1, NM_001406807.1); c.822_835delGAAGAGAATGGTGA, p.Lys275Trpfs (NM_001406804.1); and 3 more; short protein forms K171fs, K301fs, M1fs.
Identifiers: ClinVar variation 1765434 (VCV001765434.3), dbSNP rs2530577056, ClinGen allele CA2580067260.